The following is an entry in ClinVar:

NM_000179.3(MSH6):c.2378A>G (p.Asp793Gly)

Gene: MSH6 (mutS homolog 6; plus strand). Cytogenetic location: 2p16.3.
Variant type: single nucleotide variant.
Coding change: c.2378A>G on transcript NM_000179.3 (MANE Select); coding-DNA position 2378, A replaced by G.
Protein change: p.Asp793Gly; replaces aspartic acid 793 with glycine.
Molecular consequence: missense variant. On other transcripts: non-coding transcript variant (5), intron variant (3).
Genome position (GRCh38, 1-based): chr2:47,800,361, A>G. VCF-style: chr2-47800361-A-G. GRCh37 (hg19) VCF-style: chr2-48027500-A-G.
Other names: c.1853A>G, p.Asp618Gly (NM_001406799.1, NM_001406806.1, NM_001406807.1); c.2378A>G, p.Asp793Gly (NM_001406800.1, NM_001406808.1, NM_001406796.1 and 2 more transcripts); c.2081A>G, p.Asp694Gly (NM_001406801.1, NM_001406805.1, NM_001406821.1 and 10 more transcripts); c.2474A>G, p.Asp825Gly (NM_001406802.1, NM_001406795.1); c.2300A>G, p.Asp767Gly (NM_001406804.1); c.1472A>G, p.Asp491Gly (NM_001406823.1, NM_001406829.1, NM_001281493.2 and 6 more transcripts); c.2210A>G, p.Asp737Gly (NM_001406826.1); c.2308+70A>G (NM_001406803.1); and 4 more; short protein forms D618G, D737G, D767G, D793G, D795G, D825G, D491G, D663G.
Identifiers: ClinVar variation 2747363 (VCV002747363.3), dbSNP rs1478983658, ClinGen allele CA346753732.
Genomic context (GRCh38, chr2:47,800,361, plus strand): 5'-TCCTAAAGCAATGGCTTTGTGCCCCACTCTGTAACCATTATGCTATTAATGATCGTCTAG[A>G]TGCCATAGAAGACCTCATGGTTGTGCCTGACAAAATCTCCGAAGTTGTAGAGCTTCTAAA-3'
Protein context (NP_000170.1, residues 783-803): CNHYAINDRL[Asp793Gly]AIEDLMVVPD

ClinVar aggregate classification (germline): Uncertain significance (1 of 4 stars; one submission).

Conditions:
Hereditary nonpolyposis colorectal neoplasms. Identifiers: MedGen C0009405, MeSH D003123.

Submission:

Labcorp Genetics (formerly Invitae), Labcorp
Classification: Uncertain significance for Hereditary nonpolyposis colorectal neoplasms. Last evaluated: 2023-07-27. Review status: criteria provided, single submitter. Criteria: Invitae Variant Classification Sherloc (09022015). Collection method: clinical testing. Allele origin: germline.
Comment: Advanced modeling of protein sequence and biophysical properties (such as structural, functional, and spatial information, amino acid conservation, physicochemical variation, residue mobility, and thermodynamic stability) has been performed at Invitae for this missense variant, however the output from this modeling did not meet the statistical confidence thresholds required to predict the impact of this variant on MSH6 protein function. In summary, the available evidence is currently insufficient to determine the role of this variant in disease. Therefore, it has been classified as a Variant of Uncertain Significance. This variant has not been reported in the literature in individuals affected with MSH6-related conditions. This variant is not present in population databases (gnomAD no frequency). This sequence change replaces aspartic acid, which is acidic and polar, with glycine, which is neutral and non-polar, at codon 793 of the MSH6 protein (p.Asp793Gly).